The following is an entry in ClinVar:

NM_003024.3(ITSN1):c.1799T>C (p.Ile600Thr)

Gene: ITSN1 (intersectin 1; plus strand). Cytogenetic location: 21q22.11.
Variant type: single nucleotide variant.
Coding change: c.1799T>C on transcript NM_003024.3 (MANE Select); coding-DNA position 1799, T replaced by C.
Protein change: p.Ile600Thr; replaces isoleucine 600 with threonine.
Molecular consequence: missense variant.
Genome position (GRCh38, 1-based): chr21:33,782,108, T>C. VCF-style: chr21-33782108-T-C. GRCh37 (hg19) VCF-style: chr21-35154412-T-C.
Other names: c.1799T>C, p.Ile600Thr (NM_001001132.2, NM_001331008.2, NM_001331009.2 and 2 more transcripts); c.1688T>C, p.Ile563Thr (NM_001331012.2); short protein forms I563T, I600T.
Identifiers: ClinVar variation 4821980 (VCV004821980.4).

ClinVar aggregate classification (germline): Likely benign (1 of 4 stars; one submission).

gnomAD v4.1: 106 of 1,613,762 alleles (0.0066%); highest among the groups gnomAD compares: Non-Finnish European, 0.0081%; no homozygotes.

Submission:

CeGaT Center for Human Genetics Tuebingen
Classification: Likely benign. Last evaluated: 2026-03-01. Review status: criteria provided, single submitter. Criteria: CeGaT Center For Human Genetics Tuebingen Variant Classification Criteria Version 2. Collection method: clinical testing. Allele origin: germline. Affected: yes. Observed: 1 variant allele.
Comment: ITSN1: BS2